The following is an entry in ClinVar:

NM_001291415.2(KDM6A):c.1671G>C (p.Met557Ile)

Gene: KDM6A (lysine demethylase 6A; plus strand). Cytogenetic location: Xp11.3.
Variant type: single nucleotide variant.
Coding change: c.1671G>C on transcript NM_001291415.2 (MANE Select); coding-DNA position 1671, G replaced by C.
Protein change: p.Met557Ile; replaces methionine 557 with isoleucine.
Molecular consequence: missense variant. On other transcripts: intron variant (1).
Genome position (GRCh38, 1-based): chrX:45,062,736, G>C. VCF-style: chrX-45062736-G-C. GRCh37 (hg19) VCF-style: chrX-44921981-G-C.
Other names: c.1536G>C, p.Met512Ile (NM_001291416.2); c.1380G>C, p.Met460Ile (NM_001291417.2); c.627G>C, p.Met209Ile (NM_001291421.2); c.1515G>C, p.Met505Ile (NM_021140.4); c.1291-686G>C (NM_001291418.2); short protein forms M209I, M460I, M505I, M512I, M557I.
Identifiers: ClinVar variation 1573439 (VCV001573439.11), dbSNP rs368984079, ClinGen allele CA10392392.

ClinVar aggregate classification (germline): Conflicting classifications of pathogenicity. Review status: criteria provided, conflicting classifications (1 of 4 stars). 3 submissions from 3 submitters: Uncertain significance (1); Likely benign (2). Last evaluated 2024-07-08.

Conditions:
Kabuki syndrome 2 (KABUK2). Also called: KDM6A-Related Kabuki Syndrome. Identifiers: Orphanet 2322, MedGen C3275495, MONDO:0010465, OMIM 300867.
Inborn genetic diseases. Identifiers: MedGen C0950123, MeSH D030342.

Allele frequency attached by ClinVar (database versions not stated): gnomAD exomes 0.00004 and 0.00033; ExAC 0.00005; gnomAD 0.00010; TOPMed 0.00011; ESP Exome Variant Server 0.00019.
gnomAD v4.1: 351 of 1,168,334 alleles (0.03%); highest among the groups gnomAD compares: Non-Finnish European, 0.04%; no homozygotes.

Submissions (3):

Labcorp Genetics (formerly Invitae), Labcorp
Classification: Likely benign for Kabuki syndrome 2. Last evaluated: 2024-07-08. Review status: criteria provided, single submitter. Criteria: Invitae Variant Classification Sherloc (09022015). Collection method: clinical testing. Allele origin: germline.

Ambry Genetics
Classification: Likely benign for Inborn genetic diseases. Last evaluated: 2022-08-17. Review status: criteria provided, single submitter. Criteria: Ambry Variant Classification Scheme 2023. Collection method: clinical testing. Allele origin: germline.

GeneDx
Classification: Uncertain significance. Last evaluated: 2022-05-02. Review status: criteria provided, single submitter. Criteria: GeneDx Variant Classification Process June 2021. Collection method: clinical testing. Allele origin: germline. Affected: yes.
Comment: In silico analysis supports that this missense variant has a deleterious effect on protein structure/function; Has not been previously published as pathogenic or benign to our knowledge